The following is an entry in ClinVar:

NM_001429.4(EP300):c.5192G>A (p.Arg1731His)

Gene: EP300 (E1A binding protein p300; plus strand). Cytogenetic location: 22q13.2.
Variant type: single nucleotide variant.
Coding change: c.5192G>A on transcript NM_001429.4 (MANE Select); coding-DNA position 5192, G replaced by A.
Protein change: p.Arg1731His; replaces arginine 1731 with histidine.
Molecular consequence: missense variant.
Genome position (GRCh38, 1-based): chr22:41,176,903, G>A. VCF-style: chr22-41176903-G-A. GRCh37 (hg19) VCF-style: chr22-41572907-G-A.
Other names: c.5114G>A, p.Arg1705His (NM_001362843.2); short protein forms R1705H, R1731H.
Identifiers: ClinVar variation 1709924 (VCV001709924.2), dbSNP rs2059203984, ClinGen allele CA411708406.

ClinVar aggregate classification (germline): Uncertain significance (1 of 4 stars; one submission).

Conditions:
Menke-Hennekam syndrome 2 (MKHK2). Identifiers: MedGen C5193035, MONDO:0020769, OMIM 618333.

Allele frequency attached by ClinVar (database versions not stated): gnomAD exomes below 0.00001.
gnomAD v4.1: 2 of 1,614,054 alleles (0.00012%); highest among the groups gnomAD compares: Non-Finnish European, 0.00017%; no homozygotes.

Submission:

MGZ Medical Genetics Center
Classification: Uncertain significance for Menke-Hennekam syndrome 2. Last evaluated: 2021-08-31. Review status: criteria provided, single submitter. Criteria: ACMG Guidelines, 2015. Collection method: clinical testing. Allele origin: germline. Affected: yes. Observed: 1 variant allele.
Comment: ACMG criteria applied: PM2_SUP, PP3